The following is an entry in ClinVar:

NM_000702.4(ATP1A2):c.2152G>A (p.Asp718Asn)

Gene: ATP1A2 (ATPase Na+/K+ transporting subunit alpha 2; plus strand). Cytogenetic location: 1q23.2.
Variant type: single nucleotide variant.
Coding change: c.2152G>A on transcript NM_000702.4 (MANE Select); coding-DNA position 2152, G replaced by A.
Protein change: p.Asp718Asn; replaces aspartic acid 718 with asparagine.
Molecular consequence: missense variant.
Genome position (GRCh38, 1-based): chr1:160,135,470, G>A. VCF-style: chr1-160135470-G-A. GRCh37 (hg19) VCF-style: chr1-160105260-G-A.
Other names: c.2152G>A (NM_000702.3); short protein forms D718N.
Identifiers: ClinVar variation 12924 (VCV000012924.7), dbSNP rs121918614, ClinGen allele CA256641.
Genomic context (GRCh38, chr1:160,135,470, plus strand): 5'-CAAGTGTGGCCGTCTTCCCTCCAGGGAGCCATTGTGGCCGTGACGGGTGACGGGGTGAAC[G>A]ACTCCCCTGCATTGAAGAAGGCTGACATTGGCATTGCCATGGGCATCTCTGGCTCTGACG-3'
Protein context (NP_000693.1, residues 708-728): IVAVTGDGVN[Asp718Asn]SPALKKADIG

ClinVar aggregate classification (germline): Conflicting classifications of pathogenicity. Review status: criteria provided, conflicting classifications (1 of 4 stars). 5 submissions from 5 submitters: Pathogenic (1); Likely pathogenic (1); Uncertain significance (1). 2 of the submissions do not count toward it. Last evaluated 2024-03-06.

Conditions:
Familial hemiplegic migraine. Identifiers: MedGen C0338484, MONDO:0000700.
Migraine, familial hemiplegic, 2. Identifiers: Orphanet 569, MedGen C1865322, MONDO:0011232, OMIM 602481.

Allele frequency attached by ClinVar (database versions not stated): gnomAD exomes below 0.00001; gnomAD 0.00001; TOPMed 0.00001.
gnomAD v4.1: 5 of 1,614,064 alleles (0.00031%); highest among the groups gnomAD compares: African/African-American, 0.0013%; no homozygotes.

Submissions (5):

Labcorp Genetics (formerly Invitae), Labcorp
Classification: Pathogenic for Familial hemiplegic migraine. Last evaluated: 2024-03-06. Review status: criteria provided, single submitter. Criteria: Invitae Variant Classification Sherloc (09022015). Collection method: clinical testing. Allele origin: germline.
Comment: This sequence change replaces aspartic acid, which is acidic and polar, with asparagine, which is neutral and polar, at codon 718 of the ATP1A2 protein (p.Asp718Asn). This variant is not present in population databases (gnomAD no frequency). This missense change has been observed in individual(s) with familial hemiplegic migraine (PMID: 15159495). It has also been observed to segregate with disease in related individuals. ClinVar contains an entry for this variant (Variation ID: 12924). Advanced modeling of protein sequence and biophysical properties (such as structural, functional, and spatial information, amino acid conservation, physicochemical variation, residue mobility, and thermodynamic stability) performed at Invitae indicates that this missense variant is expected to disrupt ATP1A2 protein function with a positive predictive value of 80%. Experimental studies have shown that this missense change affects ATP1A2 function (PMID: 34384358). For these reasons, this variant has been classified as Pathogenic.

GeneDx
Classification: Uncertain significance. Last evaluated: 2024-02-27. Review status: criteria provided, single submitter. Criteria: GeneDx Variant Classification Process June 2021. Collection method: clinical testing. Allele origin: germline. Affected: yes.
Comment: Not observed at significant frequency in large population cohorts (gnomAD); In silico analysis supports that this missense variant has a deleterious effect on protein structure/function; This variant is associated with the following publications: (PMID: 25018677, 28058944, 18028407, 18184292, 34384358, 33839563, 27818813, 30258939, 28479855, 15159495)

Institute of Human Genetics, University of Leipzig Medical Center
Classification: Likely pathogenic for Migraine, familial hemiplegic, 2. Last evaluated: 2020-10-28. Review status: criteria provided, single submitter. Criteria: ACMG Guidelines, 2015. Collection method: clinical testing. Allele origin: maternal. Affected: yes.

OMIM
Classification: Pathogenic for MIGRAINE, FAMILIAL HEMIPLEGIC, 2. Last evaluated: 2004-05-25. Review status: no assertion criteria provided. Collection method: literature only. Allele origin: germline. Not counted in ClinVar's aggregate classification.

GeneReviews
No classification provided. Condition: Familial hemiplegic migraine. Review status: no classification provided. Collection method: literature only. Allele origin: germline. Not counted in ClinVar's aggregate classification.
Comment: Severe phenotype reported

Literature cited by the submitters: PubMed 15159495 (cited by 3 submitters); PubMed 34384358 (cited by Labcorp Genetics (formerly Invitae), Labcorp); PubMed 20301562 (cited by GeneReviews).